The following is an entry in ClinVar:

NM_003482.4(KMT2D):c.1259-14T>C

Gene: KMT2D (lysine methyltransferase 2D; minus strand). Cytogenetic location: 12q13.12.
Variant type: single nucleotide variant.
Coding change: c.1259-14T>C on transcript NM_003482.4 (MANE Select); 14 bases into the intron before coding-DNA position 1259, T replaced by C.
Molecular consequence: intron variant.
Genome position (GRCh38, 1-based): chr12:49,052,438, A>G on the plus strand (T>C on the coding strand, the complement: KMT2D is on the minus strand). VCF-style: chr12-49052438-A-G. GRCh37 (hg19) VCF-style: chr12-49446221-A-G.
Other names: c.1259-14T>C (NM_003482.3).
Identifiers: ClinVar variation 1595049 (VCV001595049.10), dbSNP rs199555464, ClinGen allele CA6548526.
Genomic context (GRCh38, chr12:49,052,438, plus strand): 5'-GTTTAGGGGGGCCTCCAACTGGGGCTCAAGTTGGACCCCTGCTTTCCCTGCAGACACAAC[A>G]ACACGATGCTCCTATCTAGCTCAGATCTACTCCACAGAAAGTGTGGGGTCTGGGGCAATG-3'

ClinVar aggregate classification (germline): Likely benign. Review status: criteria provided, multiple submitters, no conflicts (2 of 4 stars). 3 submissions from 3 submitters: Likely benign (2). 1 of the submissions does not count toward it. Last evaluated 2026-01-05.

Conditions:
Kabuki syndrome. Also called: Kabuki make-up syndrome; NIIKAWA-KUROKI SYNDROME. Identifiers: Orphanet 2322, MedGen C0796004, MONDO:0016512.
KMT2D-related disorder. Also called: KMT2D-Related Disorders.

Allele frequency attached by ClinVar (database versions not stated): gnomAD exomes 0.00002 and 0.00004; ExAC 0.00003; 1000 Genomes Project 30x 0.00016; 1000 Genomes Project 0.00020; gnomAD 0.00020 and 0.00021; TOPMed 0.00038.
gnomAD v4.1: 58 of 1,542,596 alleles (0.0038%); highest among the groups gnomAD compares: Admixed American, 0.088%; no homozygotes.

Submissions (3):

Labcorp Genetics (formerly Invitae), Labcorp
Classification: Likely benign for Kabuki syndrome. Last evaluated: 2026-01-05. Review status: criteria provided, single submitter. Criteria: Invitae Variant Classification Sherloc (09022015). Collection method: clinical testing. Allele origin: germline.

Blueprint Genetics
Classification: Likely benign. Last evaluated: 2022-05-10. Review status: criteria provided, single submitter. Criteria: ACMG Guidelines, 2015. Collection method: clinical testing. Allele origin: germline.

PreventionGenetics, part of Exact Sciences
Classification: Likely benign for KMT2D-related condition. Last evaluated: 2024-08-21. Review status: no assertion criteria provided. Collection method: clinical testing. Allele origin: germline. Not counted in ClinVar's aggregate classification.
Comment: This variant is classified as likely benign based on ACMG/AMP sequence variant interpretation guidelines (Richards et al. 2015 PMID: 25741868, with internal and published modifications).